The following is an entry in ClinVar:

NM_005993.5(TBCD):c.3277G>A (p.Ala1093Thr)

Gene: TBCD (tubulin folding cofactor D). Cytogenetic location: 17q25.3.
Variant type: single nucleotide variant.
Coding change: c.3277G>A on transcript NM_005993.5 (MANE Select); coding-DNA position 3277, G replaced by A.
Protein change: p.Ala1093Thr; replaces alanine 1093 with threonine.
Molecular consequence: missense variant.
Genome position (GRCh38, 1-based): chr17:82,937,356, G>A. VCF-style: chr17-82937356-G-A. GRCh37 (hg19) VCF-style: chr17-80895232-G-A.
Other names: c.3226G>A, p.Ala1076Thr (NM_001411101.1); c.3196G>A, p.Ala1066Thr (NM_001411102.1); short protein forms A1093T, A1076T, A1066T.
Identifiers: ClinVar variation 2218371 (VCV002218371.6), dbSNP rs767597705, ClinGen allele CA8863481.

ClinVar aggregate classification (germline): Uncertain significance. Review status: criteria provided, multiple submitters, no conflicts (2 of 4 stars). 5 submissions from 5 submitters: Uncertain significance (5). Last evaluated 2026-06-03.

Conditions:
TBCD-related disorder. Also called: TBCD-related condition.
Inborn genetic diseases. Identifiers: MedGen C0950123, MeSH D030342.

Allele frequency attached by ClinVar (database versions not stated): ExAC 0.00002; gnomAD exomes 0.00004; gnomAD 0.00003; TOPMed 0.00003.
gnomAD v4.1: 59 of 1,613,900 alleles (0.0037%); highest among the groups gnomAD compares: Middle Eastern, 0.15%; 1 homozygote.

Submissions (5):

Women's Health and Genetics/Laboratory Corporation of America, LabCorp
Classification: Uncertain significance. Last evaluated: 2026-06-03. Review status: criteria provided, single submitter. Criteria: LabCorp Variant Classification Summary - May 2015. Collection method: clinical testing. Allele origin: germline.
Comment: Variant summary: TBCD c.3277G>A (p.Ala1093Thr) results in a non-conservative amino acid change in the encoded protein sequence. Algorithms developed to predict the effect of missense changes on protein structure and function are either unavailable or do not agree on the potential impact of this missense change. The variant allele was found at a frequency of 2e-05 in 249068 control chromosomes. The available data on variant occurrences in the general population are insufficient to allow any conclusion about variant significance. To our knowledge, no occurrence of c.3277G>A in individuals affected with TBCD-related conditions and no experimental evidence demonstrating its impact on protein function have been reported. ClinVar contains an entry for this variant (Variation ID: 2218371). Based on the evidence outlined above, the variant was classified as uncertain significance.

Labcorp Genetics (formerly Invitae), Labcorp
Classification: Uncertain significance. Last evaluated: 2024-11-12. Review status: criteria provided, single submitter. Criteria: Invitae Variant Classification Sherloc (09022015). Collection method: clinical testing. Allele origin: germline.
Comment: This sequence change replaces alanine, which is neutral and non-polar, with threonine, which is neutral and polar, at codon 1093 of the TBCD protein (p.Ala1093Thr). This variant is present in population databases (rs767597705, gnomAD 0.003%). This variant has not been reported in the literature in individuals affected with TBCD-related conditions. ClinVar contains an entry for this variant (Variation ID: 2218371). Invitae Evidence Modeling of protein sequence and biophysical properties (such as structural, functional, and spatial information, amino acid conservation, physicochemical variation, residue mobility, and thermodynamic stability) has been performed for this missense variant. However, the output from this modeling did not meet the statistical confidence thresholds required to predict the impact of this variant on TBCD protein function. In summary, the available evidence is currently insufficient to determine the role of this variant in disease. Therefore, it has been classified as a Variant of Uncertain Significance.

GeneDx
Classification: Uncertain significance. Last evaluated: 2024-08-30. Review status: criteria provided, single submitter. Criteria: GeneDx Variant Classification Process June 2021. Collection method: clinical testing. Allele origin: germline. Affected: yes.
Comment: In silico analysis indicates that this missense variant does not alter protein structure/function; Has not been previously published as pathogenic or benign to our knowledge

PreventionGenetics, part of Exact Sciences
Classification: Uncertain significance for TBCD-related condition. Last evaluated: 2023-09-26. Review status: criteria provided, single submitter. Criteria: ACMG Guidelines, 2015. Collection method: clinical testing. Allele origin: germline.
Comment: The TBCD c.3277G>A variant is predicted to result in the amino acid substitution p.Ala1093Thr. To our knowledge, this variant has not been reported in the literature. This variant is reported in 0.0033% of alleles in individuals of South Asian descent in gnomAD. At this time, the clinical significance of this variant is uncertain due to the absence of conclusive functional and genetic evidence.

Ambry Genetics
Classification: Uncertain significance for Inborn genetic diseases. Last evaluated: 2022-09-14. Review status: criteria provided, single submitter. Criteria: Ambry Variant Classification Scheme 2023. Collection method: clinical testing. Allele origin: germline.